The following is an entry in ClinVar:

ClinVar aggregate classification (germline): Likely pathogenic (1 of 4 stars; one submission).

Conditions:
RAI1-related disorder. Also called: RAI1-related condition.

Submission:

PreventionGenetics, part of Exact Sciences
Classification: Likely pathogenic for RAI1-related condition. Last evaluated: 2023-01-31. Review status: criteria provided, single submitter. Criteria: ACMG Guidelines, 2015. Collection method: clinical testing. Allele origin: germline.
Comment: The RAI1 c.2510G>A variant is predicted to result in premature protein termination (p.Trp837*). To our knowledge, this variant has not been reported in the literature or in a large population database, indicating this variant is rare. However, truncating variants in RAI1 have been frequently reported in patients with Smith-Magenis syndrome phenotypes and are expected to be pathogenic (see, for example, Dubourg et al. 2014. PubMed ID: 24715852). This variant is interpreted as likely pathogenic.

NM_030665.4(RAI1):c.2510G>A (p.Trp837Ter)

Gene: RAI1 (retinoic acid induced 1; plus strand). Cytogenetic location: 17p11.2.
Variant type: single nucleotide variant.
Coding change: c.2510G>A on transcript NM_030665.4 (MANE Select); coding-DNA position 2510, G replaced by A.
Protein change: p.Trp837Ter; replaces tryptophan 837 with a stop codon.
Molecular consequence: nonsense.
Genome position (GRCh38, 1-based): chr17:17,795,458, G>A. VCF-style: chr17-17795458-G-A. GRCh37 (hg19) VCF-style: chr17-17698772-G-A.
Other names: short protein forms W837*.
Identifiers: ClinVar variation 2630343 (VCV002630343.1), dbSNP rs2508581992, ClinGen allele CA398551398.